The following is an entry in ClinVar:

NM_173598.6(KSR2):c.728C>T (p.Ser243Leu)

Gene: KSR2 (kinase suppressor of ras 2; minus strand). Cytogenetic location: 12q24.23.
Variant type: single nucleotide variant.
Coding change: c.728C>T on transcript NM_173598.6 (MANE Select); coding-DNA position 728, C replaced by T.
Protein change: p.Ser243Leu; replaces serine 243 with leucine.
Molecular consequence: missense variant.
Genome position (GRCh38, 1-based): chr12:117,761,269, G>A on the plus strand (C>T on the coding strand, the complement: KSR2 is on the minus strand). VCF-style: chr12-117761269-G-A. GRCh37 (hg19) VCF-style: chr12-118199074-G-A.
Other names: short protein forms S243L.
Identifiers: ClinVar variation 4987488 (VCV004987488.1).

ClinVar aggregate classification (germline): Uncertain significance (1 of 4 stars; one submission).

Conditions:
KSR2-related disorder. Also called: KSR2-related condition.

gnomAD v4.1: 34 of 1,528,870 alleles (0.0022%); highest among the groups gnomAD compares: Middle Eastern, 0.21%; no homozygotes.

Submission:

PreventionGenetics, part of Exact Sciences
Classification: Uncertain significance for KSR2-related condition. Last evaluated: 2026-06-20. Review status: criteria provided, single submitter. Criteria: ACMG Guidelines, 2015. Collection method: clinical testing. Allele origin: germline.
Comment: The KSR2 c.641C>T variant is predicted to result in the amino acid substitution p.Ser214Leu. To our knowledge, this variant has not been reported in the literature. This variant is reported in 0.0065% of alleles in individuals of South Asian descent in gnomAD. At this time, the clinical significance of this variant is uncertain due to the absence of conclusive functional and genetic evidence.